The following is an entry in ClinVar:

NM_001032283.3(TMPO):c.565+1452T>C

Gene: TMPO (thymopoietin; plus strand). Cytogenetic location: 12q23.1.
Variant type: single nucleotide variant.
Coding change: c.565+1452T>C on transcript NM_001032283.3 (MANE Select); 1452 bases into the intron after coding-DNA position 565, T replaced by C.
Molecular consequence: intron variant. On other transcripts: missense variant (1).
Genome position (GRCh38, 1-based): chr12:98,533,290, T>C. VCF-style: chr12-98533290-T-C. GRCh37 (hg19) VCF-style: chr12-98927068-T-C.
Other names: c.1033T>C, p.Ser345Pro (NM_003276.2); c.565+1452T>C (NM_001307975.2, NM_001032284.3); short protein forms S345P.
Identifiers: ClinVar variation 3731186 (VCV003731186.2).
Genomic context (GRCh38, chr12:98,533,290, plus strand): 5'-ATAGTAGAAAATATTTGCGGTAGAGAGAAAAGTGGAATTCAACCATTATGTCCTGAGAGG[T>C]CCCATATTTCAGATCAATCGCCTCTCTCCAGTAAAAGGAAAGCACTAGAAGAGTCTGAGA-3'

ClinVar aggregate classification (germline): Uncertain significance. Review status: criteria provided, multiple submitters, no conflicts (2 of 4 stars). 2 submissions from 2 submitters: Uncertain significance (2). Last evaluated 2026-01-28.

Conditions:
Loeys-Dietz syndrome 2 (LDS2). Also called: Marfan syndrome, type 2 (formerly); Marfan Syndrome type 2; Marfan like connective tissue disorder; MFS 2; TGFBR2-Related Loeys-Dietz Syndrome; AORTIC ANEURYSM, FAMILIAL THORACIC 3. Identifiers: Orphanet 284973, Orphanet 558, MedGen C2674574, MONDO:0012427, OMIM 610168.

gnomAD v4.1: 6 of 1,613,644 alleles (0.00037%); highest among the groups gnomAD compares: African/African-American, 0.008%; no homozygotes.

Submissions (2):

Labcorp Genetics (formerly Invitae), Labcorp
Classification: Uncertain significance for Loeys-Dietz syndrome 2. Last evaluated: 2026-01-28. Review status: criteria provided, single submitter. Criteria: Invitae Variant Classification Sherloc (09022015). Collection method: clinical testing. Allele origin: germline.
Comment: This sequence change replaces serine, which is neutral and polar, with proline, which is neutral and non-polar, at codon 345 of the TMPO protein (p.Ser345Pro). The frequency data for this variant in the population databases is considered unreliable, as metrics indicate poor data quality at this position in the gnomAD database. This variant has not been reported in the literature in individuals affected with TMPO-related conditions. ClinVar contains an entry for this variant (Variation ID: 3731186). Invitae Evidence Modeling of protein sequence and biophysical properties (such as structural, functional, and spatial information, amino acid conservation, physicochemical variation, residue mobility, and thermodynamic stability) indicates that this missense variant is not expected to disrupt TMPO protein function with a negative predictive value of 80%. In summary, the available evidence is currently insufficient to determine the role of this variant in disease. Therefore, it has been classified as a Variant of Uncertain Significance.

GeneDx
Classification: Uncertain significance. Last evaluated: 2024-08-15. Review status: criteria provided, single submitter. Criteria: GeneDx Variant Classification Process June 2021. Collection method: clinical testing. Allele origin: germline. Affected: yes.
Comment: Has not been previously published as pathogenic or benign to our knowledge; Not observed at significant frequency in large population cohorts (gnomAD); In silico analysis indicates that this missense variant does not alter protein structure/function